The following is an entry in ClinVar:

ClinVar aggregate classification (germline): Uncertain significance. Review status: criteria provided, multiple submitters, no conflicts (2 of 4 stars). 5 submissions from 5 submitters: Uncertain significance (4). 1 of the submissions does not count toward it. Last evaluated 2025-03-08.

Conditions:
Walker-Warburg congenital muscular dystrophy. Also called: Muscular dystrophy-dystroglycanopathy, type A; Walker-Warburg syndrome. Identifiers: Orphanet 899, MedGen C0265221, MONDO:0000171.
Cardiovascular phenotype. Identifiers: MedGen CN230736.
Autosomal recessive limb-girdle muscular dystrophy type 2I. Also called: MUSCULAR DYSTROPHY-DYSTROGLYCANOPATHY (LIMB-GIRDLE), TYPE C, 5; MUSCULAR DYSTROPHY, LIMB-GIRDLE, TYPE 2I; MUSCULAR DYSTROPHY-DYSTROGLYCANOPATHY, LIMB-GIRDLE, FRKP-RELATED. Identifiers: Orphanet 34515, MedGen C1846672, MONDO:0011787, OMIM 607155.

Allele frequency attached by ClinVar (database versions not stated): gnomAD 0.00002; gnomAD exomes 0.00002; TOPMed 0.00002; ExAC 0.00004.
gnomAD v4.1: 54 of 1,560,250 alleles (0.0035%); highest among the groups gnomAD compares: Non-Finnish European, 0.0045%; no homozygotes.

Submissions (5):

Ambry Genetics
Classification: Uncertain significance for Cardiovascular phenotype. Last evaluated: 2025-03-08. Review status: criteria provided, single submitter. Criteria: Ambry Variant Classification Scheme 2023. Collection method: clinical testing. Allele origin: germline.

Labcorp Genetics (formerly Invitae), Labcorp
Classification: Uncertain significance for Walker-Warburg congenital muscular dystrophy. Last evaluated: 2022-10-26. Review status: criteria provided, single submitter. Criteria: Invitae Variant Classification Sherloc (09022015). Collection method: clinical testing. Allele origin: germline.
Comment: This sequence change replaces leucine, which is neutral and non-polar, with valine, which is neutral and non-polar, at codon 210 of the FKRP protein (p.Leu210Val). This variant is present in population databases (rs778472624, gnomAD 0.004%). This missense change has been observed in individual(s) with clinical features of FKRP-related conditions (Invitae). In at least one individual the data is consistent with being in trans (on the opposite chromosome) from a pathogenic variant. ClinVar contains an entry for this variant (Variation ID: 452196). Advanced modeling of protein sequence and biophysical properties (such as structural, functional, and spatial information, amino acid conservation, physicochemical variation, residue mobility, and thermodynamic stability) has been performed at Invitae for this missense variant, however the output from this modeling did not meet the statistical confidence thresholds required to predict the impact of this variant on FKRP protein function. In summary, the available evidence is currently insufficient to determine the role of this variant in disease. Therefore, it has been classified as a Variant of Uncertain Significance.

Revvity Omics, Revvity
Classification: Uncertain significance. Last evaluated: 2021-03-09. Review status: criteria provided, single submitter. Criteria: ACMG Guidelines, 2015. Collection method: clinical testing. Allele origin: germline.

GeneDx
Classification: Uncertain significance. Last evaluated: 2018-08-30. Review status: criteria provided, single submitter. Criteria: GeneDx Variant Classification (06012015). Collection method: clinical testing. Allele origin: germline. Affected: yes.
Comment: A variant of uncertain significance has been identified in the FKRP gene. The L210V variant has not been published as a pathogenic variant, nor has it been reported as a benign variant to our knowledge. The L210V variant is not observed at a significant frequency in large population cohorts (Lek et al., 2016). The L210V variant is a conservative amino acid substitution, which is not likely to impact secondary protein structure as these residues share similar properties. In-silico analyses, including protein predictors and evolutionary conservation, support that this variant does not alter protein structure/function. Based on the currently available information, it is unclear whether this variant is a pathogenic variant or a rare benign variant.

Natera, Inc.
Classification: Uncertain significance for Limb-girdle muscular dystrophy type 2I. Last evaluated: 2020-09-16. Review status: no assertion criteria provided. Collection method: clinical testing. Allele origin: germline. Not counted in ClinVar's aggregate classification.

NM_024301.5(FKRP):c.628C>G (p.Leu210Val)

Gene: FKRP (fukutin related protein; plus strand). Cytogenetic location: 19q13.32.
Variant type: single nucleotide variant.
Coding change: c.628C>G on transcript NM_024301.5 (MANE Select); coding-DNA position 628, C replaced by G.
Protein change: p.Leu210Val; replaces leucine 210 with valine.
Molecular consequence: missense variant.
Genome position (GRCh38, 1-based): chr19:46,756,078, C>G. VCF-style: chr19-46756078-C-G. GRCh37 (hg19) VCF-style: chr19-47259335-C-G.
Other names: c.628C>G, p.Leu210Val (NM_001039885.3); short protein forms L210V.
Identifiers: ClinVar variation 452196 (VCV000452196.14), dbSNP rs778472624, ClinGen allele CA9532180.